The following is an entry in ClinVar:

NM_000548.5(TSC2):c.1293G>A (p.Ala431=)

Gene: TSC2 (TSC complex subunit 2; plus strand). Cytogenetic location: 16p13.3.
Variant type: single nucleotide variant.
Coding change: c.1293G>A on transcript NM_000548.5 (MANE Select); coding-DNA position 1293, G replaced by A.
Protein change: p.Ala431=; no amino-acid change (alanine 431 retained).
Molecular consequence: synonymous variant.
Genome position (GRCh38, 1-based): chr16:2,062,532, G>A. VCF-style: chr16-2062532-G-A. GRCh37 (hg19) VCF-style: chr16-2112533-G-A.
Other names: c.1293G>A, p.Ala431= (NM_001077183.3, NM_001114382.3, NM_001363528.2 and 3 more transcripts); c.1182G>A, p.Ala394= (NM_001318827.2); c.1146G>A, p.Ala382= (NM_001318829.2); c.693G>A, p.Ala231= (NM_001318831.2); c.1326G>A, p.Ala442= (NM_001318832.2).
Identifiers: ClinVar variation 50181 (VCV000050181.27), dbSNP rs45517162, ClinGen allele CA014379.

ClinVar aggregate classification (germline): Conflicting classifications of pathogenicity. Review status: criteria provided, conflicting classifications (1 of 4 stars). 12 submissions from 12 submitters: Uncertain significance (1); Benign (2); Likely benign (8). 1 of the submissions does not count toward it. Last evaluated 2026-07-01.

Conditions:
Hereditary cancer-predisposing syndrome. Also called: Neoplastic Syndromes, Hereditary; Tumor predisposition; Hereditary Cancer Syndrome; Hereditary neoplastic syndrome. Identifiers: Orphanet 140162, MedGen C0027672, MeSH D009386, MONDO:0015356.
Tuberous sclerosis syndrome (TSC). Also called: Tuberous Sclerosis Complex; Tuberous sclerosis. Identifiers: Orphanet 805, MedGen C0041341, MONDO:0001734.
Tuberous sclerosis 2 (TSC2). Identifiers: Orphanet 805, MedGen C1860707, MONDO:0013199, OMIM 613254.

Allele frequency attached by ClinVar (database versions not stated): gnomAD 0.00005 and 0.00006; gnomAD exomes 0.00005; TOPMed 0.00006; ExAC 0.00007; ESP Exome Variant Server 0.00008.
gnomAD v4.1: 72 of 1,612,322 alleles (0.0045%); highest among the groups gnomAD compares: Middle Eastern, 0.083%; 1 homozygote.

Submissions (12):

CeGaT Center for Human Genetics Tuebingen
Classification: Likely benign. Last evaluated: 2026-07-01. Review status: criteria provided, single submitter. Criteria: CeGaT Center For Human Genetics Tuebingen Variant Classification Criteria Version 2. Collection method: clinical testing. Allele origin: germline. Affected: yes. Observed: 1 variant allele.
Comment: TSC2: BP4, BP7

Labcorp Genetics (formerly Invitae), Labcorp
Classification: Benign for Tuberous sclerosis 2. Last evaluated: 2026-01-31. Review status: criteria provided, single submitter. Criteria: Invitae Variant Classification Sherloc (09022015). Collection method: clinical testing. Allele origin: germline.

Myriad Genetics, Inc.
Classification: Benign for Tuberous sclerosis 2. Last evaluated: 2025-05-13. Review status: criteria provided, single submitter. Criteria: Myriad Autosomal Dominant, Autosomal Recessive and X-Linked Classification Criteria (2023). Collection method: clinical testing. Allele origin: unknown.
Comment: This variant is considered benign. This variant is a silent/synonymous amino acid change and it is not expected to impact splicing.

Blueprint Genetics
Classification: Likely benign. Last evaluated: 2024-08-20. Review status: criteria provided, single submitter. Criteria: ACMG Guidelines, 2015. Collection method: clinical testing. Allele origin: germline.

All of Us Research Program, National Institutes of Health
Classification: Likely benign for Tuberous sclerosis syndrome. Last evaluated: 2023-11-28. Review status: criteria provided, single submitter. Criteria: ACMG Guidelines, 2015. Collection method: clinical testing. Allele origin: germline. Inheritance: Autosomal dominant inheritance. Observed: 14 variant alleles, 14 heterozygotes.
Comment: This study involves interpretation of variants in research participants for the purpose of population health screening. Participant phenotype was not available at the time of variant classification. Additional details can be found in publication PMID: 35346344, PMCID: PMC8962531

Color Diagnostics, LLC DBA Color Health
Classification: Likely benign for Tuberous sclerosis syndrome. Last evaluated: 2022-09-20. Review status: criteria provided, single submitter. Criteria: ACMG Guidelines, 2015. Collection method: clinical testing. Allele origin: germline.

Genome-Nilou Lab
Classification: Likely benign for Tuberous sclerosis 2. Last evaluated: 2021-11-07. Review status: criteria provided, single submitter. Criteria: ACMG Guidelines, 2015. Collection method: clinical testing. Allele origin: germline. Affected: no.

Sema4
Classification: Likely benign for Hereditary cancer-predisposing syndrome. Last evaluated: 2021-06-23. Review status: criteria provided, single submitter. Criteria: Sema4 Curation Guidelines. Collection method: curation. Allele origin: germline.

GeneDx
Classification: Likely benign. Last evaluated: 2020-09-11. Review status: criteria provided, single submitter. Criteria: GeneDx Variant Classification Process June 2021. Collection method: clinical testing. Allele origin: germline. Affected: yes.
Comment: This variant is associated with the following publications: (PMID: 12015165)

Illumina Laboratory Services, Illumina
Classification: Uncertain significance for Tuberous sclerosis syndrome. Last evaluated: 2018-01-13. Review status: criteria provided, single submitter. Criteria: ICSL Variant Classification Criteria 13 December 2019. Collection method: clinical testing. Allele origin: germline.

Ambry Genetics
Classification: Likely benign for Hereditary cancer-predisposing syndrome. Last evaluated: 2014-10-21. Review status: criteria provided, single submitter. Criteria: Ambry Variant Classification Scheme 2023. Collection method: clinical testing. Allele origin: germline.

Tuberous sclerosis database (TSC2)
No classification provided. Condition: TSC. Review status: no classification provided. Criteria: Tuberous Sclerosis Database Assertion Criteria 2015. Collection method: curation. Allele origin: germline. Affected: yes. Not counted in ClinVar's aggregate classification.